The following is an entry in ClinVar:

ClinVar aggregate classification (germline): Uncertain significance (1 of 4 stars; one submission).

gnomAD v4.1: 2 of 1,613,670 alleles (0.00012%); highest among the groups gnomAD compares: African/African-American, 0.0027%; no homozygotes.

Submission:

Labcorp Genetics (formerly Invitae), Labcorp
Classification: Uncertain significance. Last evaluated: 2025-03-25. Review status: criteria provided, single submitter. Criteria: Invitae Variant Classification Sherloc (09022015). Collection method: clinical testing. Allele origin: germline.
Comment: This sequence change replaces lysine, which is basic and polar, with glutamine, which is neutral and polar, at codon 2019 of the ANK3 protein (p.Lys2019Gln). This variant is present in population databases (no rsID available, gnomAD 0.01%). This variant has not been reported in the literature in individuals affected with ANK3-related conditions. Invitae Evidence Modeling of protein sequence and biophysical properties (such as structural, functional, and spatial information, amino acid conservation, physicochemical variation, residue mobility, and thermodynamic stability) indicates that this missense variant is not expected to disrupt ANK3 protein function with a negative predictive value of 80%. In summary, the available evidence is currently insufficient to determine the role of this variant in disease. Therefore, it has been classified as a Variant of Uncertain Significance.

NM_020987.5(ANK3):c.6055A>C (p.Lys2019Gln)

Gene: ANK3 (ankyrin 3; minus strand). Cytogenetic location: 10q21.2.
Variant type: single nucleotide variant.
Coding change: c.6055A>C on transcript NM_020987.5 (MANE Select); coding-DNA position 6055, A replaced by C.
Protein change: p.Lys2019Gln; replaces lysine 2019 with glutamine.
Molecular consequence: missense variant. On other transcripts: intron variant (4).
Genome position (GRCh38, 1-based): chr10:60,074,826, T>G on the plus strand (A>C on the coding strand, the complement: ANK3 is on the minus strand). VCF-style: chr10-60074826-T-G. GRCh37 (hg19) VCF-style: chr10-61834584-T-G.
Other names: c.4387+5711A>C (NM_001204403.2); c.4408+5711A>C (NM_001204404.2); c.4405+5711A>C (NM_001320874.2); c.1807+5711A>C (NM_001149.4); short protein forms K2019Q.
Identifiers: ClinVar variation 4709032 (VCV004709032.1).